The following is an entry in ClinVar:

NM_000193.4(SHH):c.1165G>A (p.Ala389Thr)

Gene: SHH (sonic hedgehog signaling molecule; minus strand). Cytogenetic location: 7q36.3.
Variant type: single nucleotide variant.
Coding change: c.1165G>A on transcript NM_000193.4 (MANE Select); coding-DNA position 1165, G replaced by A.
Protein change: p.Ala389Thr; replaces alanine 389 with threonine.
Molecular consequence: missense variant. On other transcripts: intron variant (1).
Genome position (GRCh38, 1-based): chr7:155,803,124, C>T on the plus strand (G>A on the coding strand, the complement: SHH is on the minus strand). VCF-style: chr7-155803124-C-T. GRCh37 (hg19) VCF-style: chr7-155595818-C-T.
Other names: c.302-2879G>A (NM_001310462.2); short protein forms A389T.
Identifiers: ClinVar variation 3365827 (VCV003365827.1).
Genomic context (GRCh38, chr7:155,803,124, plus strand): 5'-CGCCCCCGCGGTCCCCGCCGCCGCTGTCCCCGCCGCGGTCCGTGCGCGCGGGCGCCAGTG[C>T]AGCCAGGAGCGCGTGCGCCAGGCGGAAGGGCGCGAAGGCCCGGTGCGCCCAGCTGTGCTC-3'
Protein context (NP_000184.1, residues 379-399): PFRLAHALLA[Ala389Thr]LAPARTDRGG

ClinVar aggregate classification (germline): Uncertain significance (1 of 4 stars; one submission).

Submission:

GeneDx
Classification: Uncertain significance. Last evaluated: 2023-12-14. Review status: criteria provided, single submitter. Criteria: GeneDx Variant Classification Process June 2021. Collection method: clinical testing. Allele origin: germline. Affected: yes.
Comment: Not observed at significant frequency in large population cohorts (gnomAD); In silico analysis supports that this missense variant does not alter protein structure/function; Has not been previously published as pathogenic or benign to our knowledge